The following is an entry in ClinVar:

ClinVar aggregate classification (germline): Pathogenic (1 of 4 stars; one submission).

Conditions:
Inborn genetic diseases. Identifiers: MedGen C0950123, MeSH D030342.

Submission:

Ambry Genetics
Classification: Pathogenic for Inborn genetic diseases. Last evaluated: 2024-11-04. Review status: criteria provided, single submitter. Criteria: Ambry Variant Classification Scheme 2023. Collection method: clinical testing. Allele origin: germline.
Comment: The c.4455delA (p.A1487Pfs*100) alteration, located in exon 3 (coding exon 1) of the RAI1 gene, consists of a deletion of one nucleotide at position 4455, causing a translational frameshift with a predicted alternate stop codon after 100 amino acids. This alteration is expected to result in loss of function by premature protein truncation or nonsense-mediated mRNA decay. This variant was not reported in population-based cohorts in the Genome Aggregation Database (gnomAD). Based on the available evidence, this alteration is classified as pathogenic.

NM_030665.4(RAI1):c.4455del (p.Ala1487fs)

Gene: RAI1 (retinoic acid induced 1; plus strand). Cytogenetic location: 17p11.2.
Variant type: Deletion.
Coding change: c.4455del on transcript NM_030665.4 (MANE Select); coding-DNA position 4455, one base deleted (A; older notation c.4455delA).
Protein change: p.Ala1487fs; shifts the reading frame from alanine 1487.
Molecular consequence: frameshift variant.
Genome position (GRCh38, 1-based): chr17:17,797,403, A deleted; the last of 2 consecutive A bases (chr17:17,797,402-17,797,403); deleting either gives the same sequence. VCF-style (leftmost placement, unchanged base first): chr17-17797401-CA-C. GRCh37 (hg19) VCF-style: chr17-17700715-CA-C.
Other names: short protein forms A1487fs.
Identifiers: ClinVar variation 3429974 (VCV003429974.1).